The following is an entry in ClinVar:

NM_000026.4(ADSL):c.597G>A (p.Lys199=)

Gene: ADSL (adenylosuccinate lyase; plus strand). Cytogenetic location: 22q13.1.
Variant type: single nucleotide variant.
Coding change: c.597G>A on transcript NM_000026.4 (MANE Select); coding-DNA position 597, G replaced by A.
Protein change: p.Lys199=; no amino-acid change (lysine 199 retained).
Molecular consequence: synonymous variant. On other transcripts: non-coding transcript variant (1).
Genome position (GRCh38, 1-based): chr22:40,358,978, G>A. VCF-style: chr22-40358978-G-A. GRCh37 (hg19) VCF-style: chr22-40754982-G-A.
Other names: c.597G>A, p.Lys199= (NM_001123378.3, NM_001363840.3, NM_001410812.1 and 1 more transcripts); c.405G>A, p.Lys135= (NM_001317923.2); c.552G>A, p.Lys184= (NM_001410814.1).
Identifiers: ClinVar variation 4077390 (VCV004077390.1).
Genomic context (GRCh38, chr22:40,358,978, plus strand): 5'-TTGCATGGATCTCCAGAACTTGAAGCGTGTCCGAGATGACCTGCGCTTCCGGGGAGTAAA[G>A]GGTACCACTGGCACTCAGGCCAGTTTCCTGCAGCTCTTTGAGGGAGATGACCATAAGGTA-3'
Protein context (NP_000017.1, residues 189-209): VRDDLRFRGV[Lys199=]GTTGTQASFL

ClinVar aggregate classification (germline): Likely pathogenic (1 of 4 stars; one submission).

Conditions:
Adenylosuccinate lyase deficiency (ADSLD). Also called: ADSL DEFICIENCY. Identifiers: Orphanet 46, MedGen C0268126, MONDO:0007068, OMIM 103050.

gnomAD v4.1: 1 of 1,614,050 alleles (0.000062%); highest among the groups gnomAD compares: Non-Finnish European, 0.000085%; no homozygotes.

Submission:

Institute of Human Genetics, Cologne University
Classification: Likely pathogenic for Adenylosuccinate lyase deficiency. Review status: criteria provided, single submitter. Criteria: ACMG Guidelines, 2015. Collection method: clinical testing. Allele origin: maternal. Inheritance: Autosomal recessive inheritance. Affected: yes. Observed: 1 compound heterozygote.
Comment: Compound heterozygous with c.1277G>A; p.(Arg426His), whole blood RNA sequencing confirmed aberrant splicing, resulting in a deletion ADSL (NM_000026.4): c.597_654delinsA p.(Gly200_Lys218del) and causing the degradation of the most transcripts via nonsense-mediated decay (NMD) ACMG: PM2_supporting, PM3, PS3.